The following is an entry in ClinVar:

ClinVar aggregate classification (germline): Uncertain significance. Review status: criteria provided, multiple submitters, no conflicts (2 of 4 stars). 2 submissions from 2 submitters: Uncertain significance (2). Last evaluated 2024-10-19.

Conditions:
Familial thoracic aortic aneurysm and aortic dissection (TAAD). Also called: Thoracic aortic aneurysms and dissections. Identifiers: Orphanet 91387, MedGen C4707243, MONDO:0019625.

gnomAD v4.1: 1 of 1,614,210 alleles (0.000062%); highest among the groups gnomAD compares: South Asian, 0.0011%; no homozygotes.

Submissions (2):

Ambry Genetics
Classification: Uncertain significance for Familial thoracic aortic aneurysm and aortic dissection. Last evaluated: 2024-10-19. Review status: criteria provided, single submitter. Criteria: Ambry Variant Classification Scheme 2023. Collection method: clinical testing. Allele origin: germline.
Comment: The p.E1494Q variant (also known as c.4480G>C), located in coding exon 31 of the MYH11 gene, results from a G to C substitution at nucleotide position 4480. The glutamic acid at codon 1494 is replaced by glutamine, an amino acid with highly similar properties. This amino acid position is conserved. In addition, the in silico prediction for this alteration is inconclusive. Based on the available evidence, the clinical significance of this variant remains unclear.

Color Diagnostics, LLC DBA Color Health
Classification: Uncertain significance for Familial thoracic aortic aneurysm and aortic dissection. Last evaluated: 2023-12-05. Review status: criteria provided, single submitter. Criteria: ACMG Guidelines, 2015. Collection method: clinical testing. Allele origin: germline.
Comment: Variant of Uncertain Significance due to insufficient evidence: This missense variant is located in the coiled coil myosin tail domain of the MYH11 protein. Computational prediction tools and conservation analyses suggest that this variant may have deleterious impact on the protein function. Computational splicing tools suggest that this variant may not impact RNA splicing. To our knowledge, functional assays have not been performed for this variant nor has this variant been reported in individuals affected with cardiovascular disorders in the literature. This variant has been identified in 1/246250 chromosomes in the general population by the Genome Aggregation Database (gnomAD). Available evidence is insufficient to determine the pathogenicity of this variant conclusively.

NM_002474.3(MYH11):c.4480G>C (p.Glu1494Gln)

Genes: MYH11 (myosin heavy chain 11; minus strand), NDE1 (nudE neurodevelopment protein 1; plus strand). Cytogenetic location: 16p13.11.
Variant type: single nucleotide variant.
Coding change: c.4480G>C on transcript NM_002474.3 (MANE Select); coding-DNA position 4480, G replaced by C.
Protein change: p.Glu1494Gln; replaces glutamic acid 1494 with glutamine.
Molecular consequence: missense variant. On other transcripts: intron variant (2).
Genome position (GRCh38, 1-based): chr16:15,721,520, C>G on the plus strand (G>C on the coding strand, the complement: MYH11 is on the minus strand). VCF-style: chr16-15721520-C-G. GRCh37 (hg19) VCF-style: chr16-15815377-C-G.
Other names: c.4501G>C, p.Glu1501Gln (NM_001040113.2, NM_001040114.2); c.4480G>C, p.Glu1494Gln (NM_022844.3); c.948-2671C>G (NM_001143979.2, NM_017668.3); c.4480G>C (NM_002474.2); short protein forms E1494Q, E1501Q.
Identifiers: ClinVar variation 924621 (VCV000924621.6), dbSNP rs375969176, ClinGen allele CA394855202.